The following is an entry in ClinVar:

ClinVar aggregate classification (germline): Uncertain significance (1 of 4 stars; one submission).

Submission:

GeneDx
Classification: Uncertain significance. Last evaluated: 2024-10-02. Review status: criteria provided, single submitter. Criteria: GeneDx Variant Classification Process June 2021. Collection method: clinical testing. Allele origin: germline. Affected: yes.
Comment: Not observed at significant frequency in large population cohorts (gnomAD); In silico analysis indicates that this missense variant does not alter protein structure/function; Has not been previously published as pathogenic or benign to our knowledge

NM_002971.6(SATB1):c.764G>A (p.Ser255Asn)

Gene: SATB1 (SATB homeobox 1; minus strand). Cytogenetic location: 3p24.3.
Variant type: single nucleotide variant.
Coding change: c.764G>A on transcript NM_002971.6 (MANE Select); coding-DNA position 764, G replaced by A.
Protein change: p.Ser255Asn; replaces serine 255 with asparagine.
Molecular consequence: missense variant.
Genome position (GRCh38, 1-based): chr3:18,394,904, C>T on the plus strand (G>A on the coding strand, the complement: SATB1 is on the minus strand). VCF-style: chr3-18394904-C-T. GRCh37 (hg19) VCF-style: chr3-18436396-C-T.
Other names: c.764G>A, p.Ser255Asn (NM_001131010.4, NM_001195470.3, NM_001322871.2 and 4 more transcripts); c.548G>A, p.Ser183Asn (NM_001322876.2); short protein forms S183N, S255N.
Identifiers: ClinVar variation 3776665 (VCV003776665.1).
Genomic context (GRCh38, chr3:18,394,904, plus strand): 5'-GGAACTGGTTGCTGGCCAAAATTGACATGATTGGCGCCTTGCTGGGATAGCTCAGAAAGA[C>T]TATCCATTTCAACTAAAGTGGACAAAGAGTAAAATCACATTCAGCCAACAATGATTGGCA-3'
Protein context (NP_002962.1, residues 245-265): KTKDMMVEMD[Ser255Asn]LSELSQQGAN